The following is an entry in ClinVar:

NM_020533.3(MCOLN1):c.598C>T (p.Arg200Trp)

Gene: MCOLN1 (mucolipin TRP cation channel 1; plus strand). Cytogenetic location: 19p13.2.
Variant type: single nucleotide variant.
Coding change: c.598C>T on transcript NM_020533.3 (MANE Select); coding-DNA position 598, C replaced by T.
Protein change: p.Arg200Trp; replaces arginine 200 with tryptophan.
Molecular consequence: missense variant.
Genome position (GRCh38, 1-based): chr19:7,527,546, C>T. VCF-style: chr19-7527546-C-T. GRCh37 (hg19) VCF-style: chr19-7592432-C-T.
Other names: short protein forms R200W.
Identifiers: ClinVar variation 2070442 (VCV002070442.1), dbSNP rs745435577, ClinGen allele CA9138797.

ClinVar aggregate classification (germline): Uncertain significance (1 of 4 stars; one submission).

Conditions:
Mucolipidosis type IV (ML4). Also called: ML IV. Identifiers: Orphanet 578, MedGen C0238286, MONDO:0009653, OMIM 252650.

Submission:

Labcorp Genetics (formerly Invitae), Labcorp
Classification: Uncertain significance for Mucolipidosis type IV. Last evaluated: 2022-03-12. Review status: criteria provided, single submitter. Criteria: Invitae Variant Classification Sherloc (09022015). Collection method: clinical testing. Allele origin: germline.
Comment: This sequence change replaces arginine, which is basic and polar, with tryptophan, which is neutral and slightly polar, at codon 200 of the MCOLN1 protein (p.Arg200Trp). This variant is present in population databases (rs745435577, gnomAD 0.01%). This variant has not been reported in the literature in individuals affected with MCOLN1-related conditions. Algorithms developed to predict the effect of missense changes on protein structure and function are either unavailable or do not agree on the potential impact of this missense change (SIFT: "Deleterious"; PolyPhen-2: "Benign"; Align-GVGD: "Class C0"). In summary, the available evidence is currently insufficient to determine the role of this variant in disease. Therefore, it has been classified as a Variant of Uncertain Significance.